The following is an entry in ClinVar:

NM_172107.4(KCNQ2):c.1423G>T (p.Asp475Tyr)

Gene: KCNQ2 (potassium voltage-gated channel subfamily Q member 2; minus strand). Cytogenetic location: 20q13.33.
Variant type: single nucleotide variant.
Coding change: c.1423G>T on transcript NM_172107.4 (MANE Select); coding-DNA position 1423, G replaced by T.
Protein change: p.Asp475Tyr; replaces aspartic acid 475 with tyrosine.
Molecular consequence: missense variant.
Genome position (GRCh38, 1-based): chr20:63,415,005, C>A on the plus strand (G>T on the coding strand, the complement: KCNQ2 is on the minus strand). VCF-style: chr20-63415005-C-A. GRCh37 (hg19) VCF-style: chr20-62046358-C-A.
Other names: c.1369G>T, p.Asp457Tyr (NM_001382235.1, NM_172106.3); c.1339G>T, p.Asp447Tyr (NM_004518.6); c.1333G>T, p.Asp445Tyr (NM_172108.5); short protein forms D475Y, D445Y, D447Y, D457Y.
Identifiers: ClinVar variation 2846356 (VCV002846356.3), dbSNP rs2516187132, ClinGen allele CA409646592.

ClinVar aggregate classification (germline): Uncertain significance (1 of 4 stars; one submission).

Conditions:
Early-infantile DEE. Also called: Early infantile epileptic encephalopathy; Early infantile epileptic encephalopathy with suppression bursts; Ohtahara syndrome. Identifiers: Orphanet 1934, MedGen C0393706, MONDO:0800491.

Submission:

Labcorp Genetics (formerly Invitae), Labcorp
Classification: Uncertain significance for Early-infantile DEE. Last evaluated: 2023-03-16. Review status: criteria provided, single submitter. Criteria: Invitae Variant Classification Sherloc (09022015). Collection method: clinical testing. Allele origin: germline.
Comment: In summary, the available evidence is currently insufficient to determine the role of this variant in disease. Therefore, it has been classified as a Variant of Uncertain Significance. An algorithm developed to predict the effect of missense changes on protein structure and function (PolyPhen-2) suggests that this variant is likely to be disruptive. This variant has not been reported in the literature in individuals affected with KCNQ2-related conditions. This variant is not present in population databases (gnomAD no frequency). This sequence change replaces aspartic acid, which is acidic and polar, with tyrosine, which is neutral and polar, at codon 475 of the KCNQ2 protein (p.Asp475Tyr).